The following is an entry in ClinVar:

NM_001253697.2(ERBIN):c.3829C>A (p.Pro1277Thr)

Gene: ERBIN (erbb2 interacting protein; plus strand). Cytogenetic location: 5q12.3.
Variant type: single nucleotide variant.
Coding change: c.3829C>A on transcript NM_001253697.2 (MANE Select); coding-DNA position 3829, C replaced by A.
Protein change: p.Pro1277Thr; replaces proline 1277 with threonine.
Molecular consequence: missense variant. On other transcripts: intron variant (1).
Genome position (GRCh38, 1-based): chr5:66,075,096, C>A. VCF-style: chr5-66075096-C-A. GRCh37 (hg19) VCF-style: chr5-65370924-C-A.
Other names: c.3706C>A, p.Pro1236Thr (NM_001253698.2, NM_018695.4); c.3850C>A, p.Pro1284Thr (NM_001253699.2); c.3694C>A, p.Pro1232Thr (NM_001253701.2); c.3634-1220C>A (NM_001006600.3); short protein forms P1232T, P1277T, P1236T, P1284T.
Identifiers: ClinVar variation 3006445 (VCV003006445.3), dbSNP rs757254515, ClinGen allele CA359871060.
Genomic context (GRCh38, chr5:66,075,096, plus strand): 5'-AATGGACAGATGGGCCAGCCTCTCAGGCCTCAGGCAAATTATAGTCAAATACATCACCCC[C>A]CTCAGGCATCTGTGGCAAGGCATCCCTCTAGAGAACAACTAATTGATTACTTGATGCTGA-3'
Protein context (NP_001240626.1, residues 1267-1287): QANYSQIHHP[Pro1277Thr]QASVARHPSR

ClinVar aggregate classification (germline): Uncertain significance (1 of 4 stars; one submission).

gnomAD v4.1: 2 of 1,614,056 alleles (0.00012%); highest among the groups gnomAD compares: Non-Finnish European, 0.000085%; no homozygotes.

Submission:

Labcorp Genetics (formerly Invitae), Labcorp
Classification: Uncertain significance. Last evaluated: 2025-06-11. Review status: criteria provided, single submitter. Criteria: Invitae Variant Classification Sherloc (09022015). Collection method: clinical testing. Allele origin: germline.
Comment: This sequence change replaces proline, which is neutral and non-polar, with threonine, which is neutral and polar, at codon 1277 of the ERBIN protein (p.Pro1277Thr). This variant is not present in population databases (gnomAD no frequency). This variant has not been reported in the literature in individuals affected with ERBIN-related conditions. ClinVar contains an entry for this variant (Variation ID: 3006445). An algorithm developed to predict the effect of missense changes on protein structure and function (PolyPhen-2) suggests that this variant is likely to be disruptive. In summary, the available evidence is currently insufficient to determine the role of this variant in disease. Therefore, it has been classified as a Variant of Uncertain Significance.